The following is an entry in ClinVar:

NM_022051.3(EGLN1):c.878A>G (p.Asn293Ser)

Genes: EGLN1 (egl-9 family hypoxia inducible factor 1; minus strand), LOC129932769 (ATAC-STARR-seq lymphoblastoid active region 2730; plus strand). Cytogenetic location: 1q42.2.
Variant type: single nucleotide variant.
Coding change: c.878A>G on transcript NM_022051.3 (MANE Select); coding-DNA position 878, A replaced by G.
Protein change: p.Asn293Ser; replaces asparagine 293 with serine.
Molecular consequence: missense variant.
Genome position (GRCh38, 1-based): chr1:231,421,011, T>C on the plus strand (A>G on the coding strand, the complement: EGLN1 is on the minus strand). VCF-style: chr1-231421011-T-C. GRCh37 (hg19) VCF-style: chr1-231556757-T-C.
Other names: c.878A>G, p.Asn293Ser (NM_001377260.1, NM_001377261.1); short protein forms N293S.
Identifiers: ClinVar variation 1764654 (VCV001764654.6), dbSNP rs1656572689, ClinGen allele CA345234805.

ClinVar aggregate classification (germline): Uncertain significance. Review status: criteria provided, multiple submitters, no conflicts (2 of 4 stars). 2 submissions from 2 submitters: Uncertain significance (2). Last evaluated 2025-03-14.

Conditions:
Erythrocytosis, familial, 3 (ECYT3). Identifiers: Orphanet 247511, MedGen C1853286, MONDO:0012353, OMIM 609820.

Allele frequency attached by ClinVar (database versions not stated): gnomAD exomes below 0.00001; gnomAD 0.00001.
gnomAD v4.1: 5 of 1,613,678 alleles (0.00031%); highest among the groups gnomAD compares: Admixed American, 0.0017%; no homozygotes.

Submissions (2):

Ambry Genetics
Classification: Uncertain significance. Last evaluated: 2025-03-14. Review status: criteria provided, single submitter. Criteria: Ambry Variant Classification Scheme 2023. Collection method: clinical testing. Allele origin: germline.
Comment: The p.N293S variant (also known as c.878A>G), located in coding exon 1 of the EGLN1 gene, results from an A to G substitution at nucleotide position 878. The asparagine at codon 293 is replaced by serine, an amino acid with highly similar properties. This amino acid position is highly conserved in available vertebrate species. In addition, this alteration is predicted to be tolerated by in silico analysis. Since supporting evidence is limited at this time, the clinical significance of this alteration remains unclear.

Labcorp Genetics (formerly Invitae), Labcorp
Classification: Uncertain significance for Erythrocytosis, familial, 3. Last evaluated: 2023-01-11. Review status: criteria provided, single submitter. Criteria: Invitae Variant Classification Sherloc (09022015). Collection method: clinical testing. Allele origin: germline.
Comment: This sequence change replaces asparagine, which is neutral and polar, with serine, which is neutral and polar, at codon 293 of the EGLN1 protein (p.Asn293Ser). In summary, the available evidence is currently insufficient to determine the role of this variant in disease. Therefore, it has been classified as a Variant of Uncertain Significance. Algorithms developed to predict the effect of missense changes on protein structure and function are either unavailable or do not agree on the potential impact of this missense change (SIFT: "Tolerated"; PolyPhen-2: "Possibly Damaging"; Align-GVGD: "Class C0"). ClinVar contains an entry for this variant (Variation ID: 1764654). This variant has not been reported in the literature in individuals affected with EGLN1-related conditions. This variant is not present in population databases (gnomAD no frequency).